The following is an entry in ClinVar:

ClinVar aggregate classification (germline): Conflicting classifications of pathogenicity. Review status: criteria provided, conflicting classifications (1 of 4 stars). 3 submissions from 3 submitters: Uncertain significance (1); Likely benign (1). 1 of the submissions does not count toward it. Last evaluated 2026-02-05.

Conditions:
MASP2-related disorder. Also called: MASP2-related condition.

gnomAD v4.1: 227 of 1,613,940 alleles (0.014%); highest among the groups gnomAD compares: African/African-American, 0.27%; 1 homozygote.

Submissions (3):

Women's Health and Genetics/Laboratory Corporation of America, LabCorp
Classification: Likely benign. Last evaluated: 2026-02-05. Review status: criteria provided, single submitter. Criteria: LabCorp Variant Classification Summary - May 2015. Collection method: clinical testing. Allele origin: germline.
Comment: Variant summary: MASP2 c.1796C>T (p.Thr599Ile) results in a non-conservative amino acid change in the encoded protein sequence. Algorithms developed to predict the effect of missense changes on protein structure and function are either unavailable or do not agree on the potential impact of this missense change. The variant allele was found at a frequency of 0.00014 in 251174 control chromosomes, predominantly at a frequency of 0.0018 within the African or African-American subpopulation in the gnomAD database. The observed variant frequency within African or African-American control individuals in the gnomAD database exceeds the estimated maximal expected allele frequency for disease-causing variants in MASP2. To our knowledge, no occurrence of c.1796C>T in individuals affected with MASP2-related conditions and no experimental evidence demonstrating its impact on protein function have been reported. ClinVar contains an entry for this variant (Variation ID: 3355910). Based on the evidence outlined above, the variant was classified as likely benign.

Ambry Genetics
Classification: Uncertain significance. Last evaluated: 2025-02-12. Review status: criteria provided, single submitter. Criteria: Ambry Variant Classification Scheme 2023. Collection method: clinical testing. Allele origin: germline.

PreventionGenetics, part of Exact Sciences
Classification: Likely benign for MASP2-related condition. Last evaluated: 2024-08-06. Review status: no assertion criteria provided. Collection method: clinical testing. Allele origin: germline. Not counted in ClinVar's aggregate classification.
Comment: This variant is classified as likely benign based on ACMG/AMP sequence variant interpretation guidelines (Richards et al. 2015 PMID: 25741868, with internal and published modifications).

NM_006610.4(MASP2):c.1796C>T (p.Thr599Ile)

Genes: MASP2 (MBL associated serine protease 2; minus strand), TARDBP (TAR DNA binding protein; plus strand). Cytogenetic location: 1p36.22.
Variant type: single nucleotide variant.
Coding change: c.1796C>T on transcript NM_006610.4 (MANE Select); coding-DNA position 1796, C replaced by T.
Protein change: p.Thr599Ile; replaces threonine 599 with isoleucine.
Molecular consequence: missense variant.
Genome position (GRCh38, 1-based): chr1:11,027,150, G>A on the plus strand (C>T on the coding strand, the complement: MASP2 is on the minus strand). VCF-style: chr1-11027150-G-A. GRCh37 (hg19) VCF-style: chr1-11087207-G-A.
Other names: short protein forms T599I.
Identifiers: ClinVar variation 3355910 (VCV003355910.4).
Genomic context (GRCh38, chr1:11,027,150, plus strand): 5'-GCACAAAGCATGTTAGCAGTTACACTTCCCCTTGGATAGGGTGGCTTTTCATATGCAGCA[G>A]TACATTTTTGATGGTCAACAATCGGTATGTCGACATACATTAGATTTCTAGCAAGAAAAC-3'
Protein context (NP_006601.2, residues 589-609): DIPIVDHQKC[Thr599Ile]AAYEKPPYPR